The following is an entry in ClinVar:

ClinVar aggregate classification (germline): Uncertain significance. Review status: criteria provided, multiple submitters, no conflicts (2 of 4 stars). 2 submissions from 2 submitters: Uncertain significance (2). Last evaluated 2025-08-26.

Conditions:
Familial hypocalciuric hypercalcemia (FHH). Also called: Familial benign hypercalcemia. Identifiers: Orphanet 405, MedGen C1809471, MONDO:0018458.
Autosomal dominant hypocalcemia 1 (HYPOC1). Also called: HYPOCALCEMIA, FAMILIAL. Identifiers: MedGen C3715128, MONDO:0011013, OMIM 601198.

Submissions (2):

Labcorp Genetics (formerly Invitae), Labcorp
Classification: Uncertain significance for Familial hypocalciuric hypercalcemia; Autosomal dominant hypocalcemia 1. Last evaluated: 2025-08-26. Review status: criteria provided, single submitter. Criteria: Invitae Variant Classification Sherloc (09022015). Collection method: clinical testing. Allele origin: germline.
Comment: This sequence change replaces tryptophan, which is neutral and slightly polar, with leucine, which is neutral and non-polar, at codon 718 of the CASR protein (p.Trp718Leu). This variant is not present in population databases (gnomAD no frequency). This variant has not been reported in the literature in individuals affected with CASR-related conditions. ClinVar contains an entry for this variant (Variation ID: 1446193). An algorithm developed to predict the effect of missense changes on protein structure and function (PolyPhen-2) suggests that this variant is likely to be tolerated. In summary, the available evidence is currently insufficient to determine the role of this variant in disease. Therefore, it has been classified as a Variant of Uncertain Significance.

Mendelics
Classification: Uncertain significance. Last evaluated: 2022-05-04. Review status: criteria provided, single submitter. Criteria: Mendelics Assertion Criteria 2019. Collection method: clinical testing. Allele origin: germline.

NM_000388.4(CASR):c.2153G>T (p.Trp718Leu)

Gene: CASR (calcium sensing receptor; plus strand). Cytogenetic location: 3q21.1.
Variant type: single nucleotide variant.
Coding change: c.2153G>T on transcript NM_000388.4 (MANE Select); coding-DNA position 2153, G replaced by T.
Protein change: p.Trp718Leu; replaces tryptophan 718 with leucine.
Molecular consequence: missense variant.
Genome position (GRCh38, 1-based): chr3:122,284,107, G>T. VCF-style: chr3-122284107-G-T. GRCh37 (hg19) VCF-style: chr3-122002954-G-T.
Other names: c.2183G>T, p.Trp728Leu (NM_001178065.2); short protein forms W718L, W728L.
Identifiers: ClinVar variation 1446193 (VCV001446193.7), dbSNP rs961879608, ClinGen allele CA82748772.